The following is an entry in ClinVar:

ClinVar aggregate classification (germline): Uncertain significance (1 of 4 stars; one submission).

Submission:

Labcorp Genetics (formerly Invitae), Labcorp
Classification: Uncertain significance. Last evaluated: 2023-11-17. Review status: criteria provided, single submitter. Criteria: Invitae Variant Classification Sherloc (09022015). Collection method: clinical testing. Allele origin: germline.
Comment: This sequence change replaces threonine, which is neutral and polar, with alanine, which is neutral and non-polar, at codon 881 of the IL6ST protein (p.Thr881Ala). This variant is not present in population databases (gnomAD no frequency). This variant has not been reported in the literature in individuals affected with IL6ST-related conditions. Algorithms developed to predict the effect of missense changes on protein structure and function output the following: SIFT: "Not Available"; PolyPhen-2: "Benign"; Align-GVGD: "Not Available". The alanine amino acid residue is found in multiple mammalian species, which suggests that this missense change does not adversely affect protein function. In summary, the available evidence is currently insufficient to determine the role of this variant in disease. Therefore, it has been classified as a Variant of Uncertain Significance.

NM_002184.4(IL6ST):c.2641A>G (p.Thr881Ala)

Gene: IL6ST (interleukin 6 cytokine family signal transducer; minus strand). Cytogenetic location: 5q11.2.
Variant type: single nucleotide variant.
Coding change: c.2641A>G on transcript NM_002184.4 (MANE Select); coding-DNA position 2641, A replaced by G.
Protein change: p.Thr881Ala; replaces threonine 881 with alanine.
Molecular consequence: missense variant. On other transcripts: 3 prime UTR variant (1), non-coding transcript variant (2).
Genome position (GRCh38, 1-based): chr5:55,941,198, T>C on the plus strand (A>G on the coding strand, the complement: IL6ST is on the minus strand). VCF-style: chr5-55941198-T-C. GRCh37 (hg19) VCF-style: chr5-55237026-T-C.
Other names: c.2458A>G, p.Thr820Ala (NM_001190981.2); c.2539A>G, p.Thr847Ala (NM_001364275.2); c.2431A>G, p.Thr811Ala (NM_001364276.2); c.1774A>G, p.Thr592Ala (NM_001364277.2); c.1738A>G, p.Thr580Ala (NM_001364278.2); c.1645A>G, p.Thr549Ala (NM_001364279.2); c.*1568A>G (NM_175767.3); short protein forms T549A, T592A, T881A, T811A, T820A, T580A, T847A.
Identifiers: ClinVar variation 2918054 (VCV002918054.3), dbSNP rs2533425787, ClinGen allele CA359777639.